The following is an entry in ClinVar:

ClinVar aggregate classification (germline): Uncertain significance. Review status: criteria provided, multiple submitters, no conflicts (2 of 4 stars). 2 submissions from 2 submitters: Uncertain significance (2). Last evaluated 2022-03-23.

Conditions:
Dilated cardiomyopathy 1O (CMD1O). Also called: CARDIOMYOPATHY, DILATED, WITH VENTRICULAR TACHYCARDIA. Identifiers: Orphanet 154, MedGen C1837839, MONDO:0012062, OMIM 608569.

Allele frequency attached by ClinVar (database versions not stated): gnomAD exomes below 0.00001; TOPMed below 0.00001.
gnomAD v4.1: 2 of 1,613,452 alleles (0.00012%); highest among the groups gnomAD compares: Non-Finnish European, 0.00017%; no homozygotes.

Submissions (2):

Labcorp Genetics (formerly Invitae), Labcorp
Classification: Uncertain significance for Dilated cardiomyopathy 1O. Last evaluated: 2022-03-23. Review status: criteria provided, single submitter. Criteria: Invitae Variant Classification Sherloc (09022015). Collection method: clinical testing. Allele origin: germline.
Comment: This sequence change replaces arginine, which is basic and polar, with tryptophan, which is neutral and slightly polar, at codon 1498 of the ABCC9 protein (p.Arg1498Trp). This variant is not present in population databases (gnomAD no frequency). This variant has not been reported in the literature in individuals affected with ABCC9-related conditions. ClinVar contains an entry for this variant (Variation ID: 432864). Algorithms developed to predict the effect of missense changes on protein structure and function are either unavailable or do not agree on the potential impact of this missense change (SIFT: "Deleterious"; PolyPhen-2: "Probably Damaging"; Align-GVGD: "Class C0"). In summary, the available evidence is currently insufficient to determine the role of this variant in disease. Therefore, it has been classified as a Variant of Uncertain Significance.

GeneDx
Classification: Uncertain significance. Last evaluated: 2017-06-19. Review status: criteria provided, single submitter. Criteria: GeneDx Variant Classification (06012015). Collection method: clinical testing. Allele origin: germline. Affected: yes.
Comment: The R1498W variant has not been published as pathogenic or been reported as benign to our knowledge. The R1498W variant is not observed in large population cohorts (Lek et al., 2016; 1000 Genomes Consortium et al., 2015; Exome Variant Server). The R1498W variant is a non-conservative amino acid substitution, which is likely to impact secondary protein structure as these residues differ in polarity, charge, size and/or other properties. This substitution occurs at a position that is conserved across species, and in silico analysis predicts this variant is probably damaging to the protein structure/function. Nevertheless, this variant has not been identified in a significant number of affected individuals, and there are no functional studies or segregation data available to clarify the role of this variant in disease.

NM_020297.4(ABCC9):c.4492C>T (p.Arg1498Trp)

Genes: ABCC9 (ATP binding cassette subfamily C member 9; minus strand), KCNJ8-AS1 (KCNJ8 antisense RNA 1; plus strand). Cytogenetic location: 12p12.1.
Variant type: single nucleotide variant.
Coding change: c.4492C>T on transcript NM_020297.4 (MANE Select); coding-DNA position 4492, C replaced by T.
Protein change: p.Arg1498Trp; replaces arginine 1498 with tryptophan.
Molecular consequence: missense variant.
Genome position (GRCh38, 1-based): chr12:21,806,018, G>A on the plus strand (C>T on the coding strand, the complement: ABCC9 is on the minus strand). VCF-style: chr12-21806018-G-A. GRCh37 (hg19) VCF-style: chr12-21958952-G-A.
Other names: c.4492C>T, p.Arg1498Trp (NM_001377273.1, NM_005691.4); c.3625C>T, p.Arg1209Trp (NM_001377274.1); short protein forms R1498W, R1209W.
Identifiers: ClinVar variation 432864 (VCV000432864.9), dbSNP rs1020626669, ClinGen allele CA233608200.